The following is an entry in ClinVar:

ClinVar aggregate classification (germline): Uncertain significance (1 of 4 stars; one submission).

Submission:

Labcorp Genetics (formerly Invitae), Labcorp
Classification: Uncertain significance. Last evaluated: 2024-02-23. Review status: criteria provided, single submitter. Criteria: Invitae Variant Classification Sherloc (09022015). Collection method: clinical testing. Allele origin: germline.
Comment: This sequence change falls in intron 16 of the ADCY10 gene. It does not directly change the encoded amino acid sequence of the ADCY10 protein. It affects a nucleotide within the consensus splice site. This variant is not present in population databases (gnomAD no frequency). This variant has not been reported in the literature in individuals affected with ADCY10-related conditions. Variants that disrupt the consensus splice site are a relatively common cause of aberrant splicing (PMID: 17576681, 9536098). Algorithms developed to predict the effect of sequence changes on RNA splicing suggest that this variant may disrupt the consensus splice site. In summary, the available evidence is currently insufficient to determine the role of this variant in disease. Therefore, it has been classified as a Variant of Uncertain Significance.

Literature cited by the submitters: PubMed 17576681; PubMed 9536098.

NM_018417.6(ADCY10):c.1896+5G>C

Gene: ADCY10 (adenylate cyclase 10; minus strand). Cytogenetic location: 1q24.2.
Variant type: single nucleotide variant.
Coding change: c.1896+5G>C on transcript NM_018417.6 (MANE Select); 5 bases into the intron after coding-DNA position 1896, G replaced by C.
Molecular consequence: intron variant.
Genome position (GRCh38, 1-based): chr1:167,859,802, C>G on the plus strand (G>C on the coding strand, the complement: ADCY10 is on the minus strand). VCF-style: chr1-167859802-C-G. GRCh37 (hg19) VCF-style: chr1-167829040-C-G.
Other names: c.1620+5G>C (NM_001297772.2); c.1437+5G>C (NM_001167749.3).
Identifiers: ClinVar variation 2726225 (VCV002726225.3), dbSNP rs2525374497, ClinGen allele CA2697554631.